The following is an entry in ClinVar:

NM_001374736.1(DST):c.14313G>A (p.Ser4771=)

Gene: DST (dystonin; minus strand). Cytogenetic location: 6p12.1.
Variant type: single nucleotide variant.
Coding change: c.14313G>A on transcript NM_001374736.1 (MANE Select); coding-DNA position 14313, G replaced by A.
Protein change: p.Ser4771=; no amino-acid change (serine 4771 retained).
Molecular consequence: synonymous variant.
Genome position (GRCh38, 1-based): chr6:56,560,421, C>T on the plus strand (G>A on the coding strand, the complement: DST is on the minus strand). VCF-style: chr6-56560421-C-T. GRCh37 (hg19) VCF-style: chr6-56425219-C-T.
Other names: c.7956G>A, p.Ser2652= (NM_001144769.5); c.7542G>A, p.Ser2514= (NM_001144770.2); c.14313G>A, p.Ser4771= (NM_001374722.1); c.13680G>A, p.Ser4560= (NM_001374729.1); c.7422G>A, p.Ser2474= (NM_001374730.1, NM_001386100.1, NM_183380.4); c.14340G>A, p.Ser4780= (NM_001374734.1); c.6444G>A, p.Ser2148= (NM_015548.5).
Identifiers: ClinVar variation 798341 (VCV000798341.14), dbSNP rs113998459, ClinGen allele CA3868046.

ClinVar aggregate classification (germline): Benign/Likely benign. Review status: criteria provided, multiple submitters, no conflicts (2 of 4 stars). 3 submissions from 3 submitters: Benign (2); Likely benign (1). Last evaluated 2026-01-28.

Conditions:
DST-related disorder. Also called: DST-related condition; DST-related disorders.
Hereditary sensory and autonomic neuropathy type 6. Also called: HSAN VI; Neuropathy, hereditary sensory and autonomic, type VI. Identifiers: Orphanet 314381, MedGen C3539003, MONDO:0013839, OMIM 614653.
Epidermolysis bullosa simplex 3, localized or generalized intermediate, with BP230 deficiency (EBS3). Also called: Epidermolysis bullosa simplex, autosomal recessive 2; Epidermolysis bullosa simplex due to BP230 deficiency. Identifiers: Orphanet 412181, MedGen C3809470, MONDO:0014180, OMIM 615425.

Allele frequency attached by ClinVar (database versions not stated): gnomAD exomes 0.00045 and 0.00086; 1000 Genomes Project 30x 0.00265; 1000 Genomes Project 0.00280; gnomAD 0.00301 and 0.00319; ESP Exome Variant Server 0.00329; ExAC 0.00173; TOPMed 0.00322.
gnomAD v4.1: 1,106 of 1,591,772 alleles (0.069%); highest among the groups gnomAD compares: African/African-American, 1%; 4 homozygotes.

Submissions (3):

Labcorp Genetics (formerly Invitae), Labcorp
Classification: Benign for Epidermolysis bullosa simplex 3, localized or generalized intermediate, with BP230 deficiency; Hereditary sensory and autonomic neuropathy type 6. Last evaluated: 2026-01-28. Review status: criteria provided, single submitter. Criteria: Invitae Variant Classification Sherloc (09022015). Collection method: clinical testing. Allele origin: germline.

PreventionGenetics, part of Exact Sciences
Classification: Benign for DST-related condition. Last evaluated: 2025-03-12. Review status: criteria provided, single submitter. Criteria: ACMG Guidelines, 2015. Collection method: clinical testing. Allele origin: germline.
Comment: This variant is classified as benign based on ACMG/AMP sequence variant interpretation guidelines (Richards et al. 2015 PMID: 25741868, with internal and published modifications).

Blueprint Genetics
Classification: Likely benign. Last evaluated: 2023-12-05. Review status: criteria provided, single submitter. Criteria: ACMG Guidelines, 2015. Collection method: clinical testing. Allele origin: germline.